The following is an entry in ClinVar:

NM_002334.4(LRP4):c.970T>A (p.Cys324Ser)

Gene: LRP4 (LDL receptor related protein 4; minus strand). Cytogenetic location: 11p11.2.
Variant type: single nucleotide variant.
Coding change: c.970T>A on transcript NM_002334.4 (MANE Select); coding-DNA position 970, T replaced by A.
Protein change: p.Cys324Ser; replaces cysteine 324 with serine.
Molecular consequence: missense variant.
Genome position (GRCh38, 1-based): chr11:46,896,288, A>T on the plus strand (T>A on the coding strand, the complement: LRP4 is on the minus strand). VCF-style: chr11-46896288-A-T. GRCh37 (hg19) VCF-style: chr11-46917839-A-T.
Other names: short protein forms C324S.
Identifiers: ClinVar variation 1401524 (VCV001401524.8), dbSNP rs2134854401, ClinGen allele CA380287678.

ClinVar aggregate classification (germline): Uncertain significance (1 of 4 stars; one submission).

Conditions:
Sclerosteosis 2 (SOST2). Identifiers: Orphanet 3152, MedGen C3280402, MONDO:0013679, OMIM 614305.
Congenital myasthenic syndrome 17. Identifiers: Orphanet 590, MedGen C4225377, MONDO:0014578, OMIM 616304.
Cenani-Lenz syndactyly syndrome. Also called: SYNDACTYLY, TYPE VII; CENANI SYNDACTYLISM. Identifiers: Orphanet 3258, MedGen C1859309, MONDO:0008931, OMIM 212780.

Allele frequency attached by ClinVar (database versions not stated): gnomAD exomes below 0.00001.
gnomAD v4.1: 1 of 1,614,156 alleles (0.000062%); highest among the groups gnomAD compares: South Asian, 0.0011%; no homozygotes.

Submission:

Labcorp Genetics (formerly Invitae), Labcorp
Classification: Uncertain significance for Cenani-Lenz syndactyly syndrome; Sclerosteosis 2; Congenital myasthenic syndrome 17. Last evaluated: 2025-10-24. Review status: criteria provided, single submitter. Criteria: Invitae Variant Classification Sherloc (09022015). Collection method: clinical testing. Allele origin: germline.
Comment: This sequence change replaces cysteine, which is neutral and slightly polar, with serine, which is neutral and polar, at codon 324 of the LRP4 protein (p.Cys324Ser). This variant is not present in population databases (gnomAD no frequency). This variant has not been reported in the literature in individuals affected with LRP4-related conditions. ClinVar contains an entry for this variant (Variation ID: 1401524). Invitae Evidence Modeling of protein sequence and biophysical properties (such as structural, functional, and spatial information, amino acid conservation, physicochemical variation, residue mobility, and thermodynamic stability) indicates that this missense variant is expected to disrupt LRP4 protein function with a positive predictive value of 80%. In summary, the available evidence is currently insufficient to determine the role of this variant in disease. Therefore, it has been classified as a Variant of Uncertain Significance.